The following is an entry in ClinVar:

ClinVar aggregate classification (germline): Uncertain significance (1 of 4 stars; one submission).

Conditions:
GM1 gangliosidosis. Identifiers: Orphanet 354, MedGen C0085131, MONDO:0018149.
Mucopolysaccharidosis, MPS-IV-B (MPS4B). Also called: Mucopolysaccharidosis type IV B; Mucopolysaccharidosis type 4B; MORQUIO SYNDROME B; Mucopolysaccharidosis type IVB (Morquio); MPS IVB; Mucopolysaccharidosis Type IVB. Identifiers: Orphanet 309310, Orphanet 582, MedGen C0086652, MONDO:0009660, OMIM 253010.

Allele frequency attached by ClinVar (database versions not stated): gnomAD 0.00001; ExAC 0.00002.
gnomAD v4.1: 19 of 1,614,024 alleles (0.0012%); highest among the groups gnomAD compares: South Asian, 0.02%; 1 homozygote.

Submission:

Labcorp Genetics (formerly Invitae), Labcorp
Classification: Uncertain significance for Mucopolysaccharidosis, MPS-IV-B; GM1 gangliosidosis. Last evaluated: 2022-10-07. Review status: criteria provided, single submitter. Criteria: Invitae Variant Classification Sherloc (09022015). Collection method: clinical testing. Allele origin: germline.
Comment: This sequence change replaces leucine, which is neutral and non-polar, with phenylalanine, which is neutral and non-polar, at codon 661 of the GLB1 protein (p.Leu661Phe). This variant is present in population databases (rs769449586, gnomAD 0.02%). This variant has not been reported in the literature in individuals affected with GLB1-related conditions. Advanced modeling of protein sequence and biophysical properties (such as structural, functional, and spatial information, amino acid conservation, physicochemical variation, residue mobility, and thermodynamic stability) performed at Invitae indicates that this missense variant is not expected to disrupt GLB1 protein function. In summary, the available evidence is currently insufficient to determine the role of this variant in disease. Therefore, it has been classified as a Variant of Uncertain Significance.

NM_000404.4(GLB1):c.1981C>T (p.Leu661Phe)

Gene: GLB1 (galactosidase beta 1; minus strand). Cytogenetic location: 3p22.3.
Variant type: single nucleotide variant.
Coding change: c.1981C>T on transcript NM_000404.4 (MANE Select); coding-DNA position 1981, C replaced by T.
Protein change: p.Leu661Phe; replaces leucine 661 with phenylalanine.
Molecular consequence: missense variant. On other transcripts: intron variant (1).
Genome position (GRCh38, 1-based): chr3:32,997,098, G>A on the plus strand (C>T on the coding strand, the complement: GLB1 is on the minus strand). VCF-style: chr3-32997098-G-A. GRCh37 (hg19) VCF-style: chr3-33038590-G-A.
Other names: c.1588C>T, p.Leu530Phe (NM_001135602.3); c.2125C>T, p.Leu709Phe (NM_001317040.2); c.1734+16958C>T (NM_001393580.1); c.1891C>T, p.Leu631Phe (NM_001079811.3); short protein forms L661F, L530F, L709F, L631F.
Identifiers: ClinVar variation 1982914 (VCV001982914.1), dbSNP rs769449586, ClinGen allele CA2299264.